The following is an entry in ClinVar:

NM_022124.6(CDH23):c.9629_9632del (p.Ile3210fs)

Gene: CDH23 (cadherin related 23; plus strand). Cytogenetic location: 10q22.1.
Variant type: Deletion.
Coding change: c.9629_9632del on transcript NM_022124.6 (MANE Select); coding-DNA positions 9629 to 9632, 4 bases deleted (TCAA; older notation c.9629_9632delTCAA).
Protein change: p.Ile3210fs; shifts the reading frame from isoleucine 3210.
Molecular consequence: frameshift variant.
Genome position (GRCh38, 1-based): chr10:71,812,886-71,812,889, TCAA deleted; deleting any 4 consecutive bases within chr10:71,812,883-71,812,889 gives the same sequence; the c. name uses the placement nearest the transcript's 3' end. VCF-style (leftmost placement, unchanged base first): chr10-71812882-CCAAT-C. GRCh37 (hg19) VCF-style: chr10-73572639-CCAAT-C.
Other names: c.2909_2912del, p.Ile970fs (NM_001171933.1, NM_001171934.1); c.320_323del, p.Ile107fs (NM_001171935.1, NM_001171936.1); short protein forms I107fs, I3210fs, I970fs.
Identifiers: ClinVar variation 46077 (VCV000046077.12), dbSNP rs397517367, ClinGen allele CA261807.

ClinVar aggregate classification (germline): Pathogenic/Likely pathogenic. Review status: criteria provided, multiple submitters, no conflicts (2 of 4 stars). 6 submissions from 6 submitters: Pathogenic (5); Likely pathogenic (1). Last evaluated 2026-01-25.

Conditions:
CDH23-related disorder. Also called: CDH23-related disorders; CDH23-related condition.
Pituitary adenoma 5, multiple types. Identifiers: MedGen C4539685, MONDO:0054601, OMIM 617540.
Rare genetic deafness. Identifiers: Orphanet 96210, MedGen C5680250.
Usher syndrome type 1 (USH1). Also called: RETINITIS PIGMENTOSA AND CONGENITAL DEAFNESS. Identifiers: Orphanet 231169, Orphanet 886, MedGen C1568247, MONDO:0010168, OMIM 276900.

Submissions (6):

Labcorp Genetics (formerly Invitae), Labcorp
Classification: Pathogenic. Last evaluated: 2026-01-25. Review status: criteria provided, single submitter. Criteria: Invitae Variant Classification Sherloc (09022015). Collection method: clinical testing. Allele origin: germline.
Comment: This sequence change creates a premature translational stop signal (p.Ile3210Argfs*5) in the CDH23 gene. It is expected to result in an absent or disrupted protein product. Loss-of-function variants in CDH23 are known to be pathogenic (PMID: 11138009, 21940737, 35020051). This variant is present in population databases (rs397517367, gnomAD 0.004%). This premature translational stop signal has been observed in individual(s) with Usher syndrome (PMID: 33111992). ClinVar contains an entry for this variant (Variation ID: 46077). For these reasons, this variant has been classified as Pathogenic.

Natera, Inc.
Classification: Pathogenic for Usher syndrome type 1. Last evaluated: 2025-03-11. Review status: criteria provided, single submitter. Criteria: Natera Variant Classification Schema (03/2026). Collection method: clinical testing. Allele origin: germline.
Comment: The c.9629_9632delTCAA variant in CDH23 is a frameshift variant predicted to shift the reading frame beginning at codon 3210 and leads to a stop codon 5 codons downstream. This variant is expected to result in nonsense mediated decay, truncation, or a dysfunctional protein product. This variant is rare in the general population with a frequency below the threshold expected for the associated phenotype(s). This variant has been observed in one or more individuals affected with the associated recessive disease, as either homozygous or compound heterozygous with a second variant (PMID: 27631835). Given the available evidence, this variant is classified as Pathogenic.

Blueprint Genetics
Classification: Likely pathogenic for CDH23-related disorders. Last evaluated: 2024-05-10. Review status: criteria provided, single submitter. Criteria: ACMG Guidelines, 2015. Collection method: clinical testing. Allele origin: germline. Affected: yes. Observed: 5 variant alleles.

Baylor Genetics
Classification: Pathogenic for Pituitary adenoma 5, multiple types. Last evaluated: 2023-08-14. Review status: criteria provided, single submitter. Criteria: ACMG Guidelines, 2015. Collection method: clinical testing. Allele origin: unknown.

GeneDx
Classification: Pathogenic. Last evaluated: 2019-02-25. Review status: criteria provided, single submitter. Criteria: GeneDx Variant Classification (06012015). Collection method: clinical testing. Allele origin: germline. Affected: yes.
Comment: The c.9629_9632delTCAA variant has not been published as a pathogenic variant, nor has it been reported as a benign variant to our knowledge. The variant is not observed at a significant frequency in large population cohorts (Lek et al., 2016). It causes a frameshift starting with codon Isoleucine 3210, changes this amino acid to an Arginine residue and creates a premature Stop codon at position 5 of the new reading frame, denoted p.Ile3210ArgfsX5. This variant is predicted to cause loss of normal protein function either through protein truncation or nonsense-mediated mRNA decay. We interpret this variant as pathogenic.

Laboratory for Molecular Medicine, Mass General Brigham Personalized Medicine
Classification: Pathogenic for Rare genetic deafness. Last evaluated: 2012-05-08. Review status: criteria provided, single submitter. Criteria: LMM Criteria. Collection method: clinical testing. Allele origin: germline. Inheritance: Autosomal recessive inheritance. Observed: 2 variant alleles.
Comment: The Ile3210Argfs variant in CDH23 has not been reported in the literature. The v ariant is predicted to alter the protein?s amino acid sequence beginning at posi tion 3210 and lead to a premature termination codon 5 amino acids downstream. Th is alteration is then predicted to lead to a truncated or absent protein. In sum mary, this variant meets our criteria to be classified as pathogenic.

Literature cited by the submitters: PubMed 11138009 (cited by Labcorp Genetics (formerly Invitae), Labcorp); PubMed 21940737 (cited by Labcorp Genetics (formerly Invitae), Labcorp); PubMed 35020051 (cited by Labcorp Genetics (formerly Invitae), Labcorp); PubMed 33111992 (cited by Labcorp Genetics (formerly Invitae), Labcorp); PubMed 27631835 (cited by Natera, Inc.).